The following is an entry in ClinVar:

NM_019120.5(PCDHB8):c.558C>T (p.Arg186=)

Genes: PCDHB8 (protocadherin beta 8; plus strand), PCDHB@ (protocadherin beta cluster; plus strand). Cytogenetic location: 5q31.3.
Variant type: single nucleotide variant.
Coding change: c.558C>T on transcript NM_019120.5 (MANE Select); coding-DNA position 558, C replaced by T.
Protein change: p.Arg186=; no amino-acid change (arginine 186 retained).
Molecular consequence: synonymous variant.
Genome position (GRCh38, 1-based): chr5:141,178,592, C>T. VCF-style: chr5-141178592-C-T. GRCh37 (hg19) VCF-style: chr5-140558173-C-T.
Identifiers: ClinVar variation 2655815 (VCV002655815.24), dbSNP rs147858574, ClinGen allele CA3459325.

ClinVar aggregate classification (germline): Likely benign (1 of 4 stars; one submission).

Allele frequency attached by ClinVar (database versions not stated): 1000 Genomes Project 30x 0.00031; 1000 Genomes Project 0.00040; ESP Exome Variant Server 0.00154; gnomAD exomes 0.00186.
gnomAD v4.1: 2,897 of 1,612,380 alleles (0.18%); highest among the groups gnomAD compares: Non-Finnish European, 0.22%; no homozygotes.

Submission:

CeGaT Center for Human Genetics Tuebingen
Classification: Likely benign. Last evaluated: 2022-11-01. Review status: criteria provided, single submitter. Criteria: CeGaT Center For Human Genetics Tuebingen Variant Classification Criteria Version 2. Collection method: clinical testing. Allele origin: germline. Affected: yes. Observed: 2 variant alleles.
Comment: PCDHB8: BP4, BP7